The following is an entry in ClinVar:

ClinVar aggregate classification (germline): Conflicting classifications of pathogenicity. Review status: criteria provided, conflicting classifications (1 of 4 stars). 5 submissions from 5 submitters: Uncertain significance (3); Likely benign (2). Last evaluated 2025-10-26.

Conditions:
Benign neonatal seizures. Also called: Convulsions benign familial neonatal dominant form; Autosomal dominant form of benign neonatal seizures; Benign familial neonatal seizures; Benign neonatal familial convulsions; Benign familial neonatal epilepsy. Identifiers: Orphanet 1949, MedGen C0220669, MONDO:0016027.
Seizures, benign familial neonatal, 2. Also called: KCNQ3-Related Benign Familial Neonatal Epilepsy; KCNQ3-Related Self-Limited Familial Neonatal Epilepsy (SLFNE); CONVULSIONS, BENIGN FAMILIAL NEONATAL, 2; Benign Neonatal Epilepsy 2; Seizures, benign neonatal, 2. Identifiers: Orphanet 1949, MedGen C1852581, MONDO:0007366, OMIM 121201.

Allele frequency attached by ClinVar (database versions not stated): ExAC 0.00005; gnomAD exomes 0.00006 and 0.00028; ESP Exome Variant Server 0.00008; gnomAD 0.00008 and 0.00009; TOPMed 0.00010.
gnomAD v4.1: 403 of 1,613,336 alleles (0.025%); highest among the groups gnomAD compares: Non-Finnish European, 0.033%; no homozygotes.

Submissions (5):

Labcorp Genetics (formerly Invitae), Labcorp
Classification: Uncertain significance for Benign neonatal seizures. Last evaluated: 2025-10-26. Review status: criteria provided, single submitter. Criteria: Invitae Variant Classification Sherloc (09022015). Collection method: clinical testing. Allele origin: germline.
Comment: This sequence change replaces proline, which is neutral and non-polar, with arginine, which is basic and polar, at codon 409 of the KCNQ3 protein (p.Pro409Arg). This variant is present in population databases (rs149272208, gnomAD 0.01%). This variant has not been reported in the literature in individuals affected with KCNQ3-related conditions. ClinVar contains an entry for this variant (Variation ID: 205970). Invitae Evidence Modeling of protein sequence and biophysical properties (such as structural, functional, and spatial information, amino acid conservation, physicochemical variation, residue mobility, and thermodynamic stability) indicates that this missense variant is expected to disrupt KCNQ3 protein function with a positive predictive value of 95%. In summary, the available evidence is currently insufficient to determine the role of this variant in disease. Therefore, it has been classified as a Variant of Uncertain Significance.

Blueprint Genetics
Classification: Likely benign. Last evaluated: 2024-02-20. Review status: criteria provided, single submitter. Criteria: ACMG Guidelines, 2015. Collection method: clinical testing. Allele origin: germline.

GeneDx
Classification: Likely benign. Last evaluated: 2019-12-03. Review status: criteria provided, single submitter. Criteria: GeneDx Variant Classification Process June 2021. Collection method: clinical testing. Allele origin: germline. Affected: yes.
Comment: In silico analysis, which includes protein predictors and evolutionary conservation, supports a deleterious effect; In-silico analysis, which includes splice predictors and evolutionary conservation, is inconclusive as to whether the variant alters gene splicing. In the absence of RNA/functional studies, the actual effect of this sequence change is unknown; Has not been previously published as pathogenic or benign to our knowledge

Fulgent Genetics
Classification: Uncertain significance for Seizures, benign familial neonatal, 2. Last evaluated: 2018-10-31. Review status: criteria provided, single submitter. Criteria: ACMG Guidelines, 2015. Collection method: clinical testing. Allele origin: unknown.

Eurofins Ntd Llc (ga)
Classification: Uncertain significance. Last evaluated: 2016-02-15. Review status: criteria provided, single submitter. Criteria: EGL Classification Definitions 2015. Collection method: clinical testing. Allele origin: germline. Observed: 1 variant allele, 1 heterozygote.

NM_004519.4(KCNQ3):c.1226C>G (p.Pro409Arg)

Gene: KCNQ3 (potassium voltage-gated channel subfamily Q member 3; minus strand). Cytogenetic location: 8q24.22.
Variant type: single nucleotide variant.
Coding change: c.1226C>G on transcript NM_004519.4 (MANE Select); coding-DNA position 1226, C replaced by G.
Protein change: p.Pro409Arg; replaces proline 409 with arginine.
Molecular consequence: missense variant.
Genome position (GRCh38, 1-based): chr8:132,170,343, G>C on the plus strand (C>G on the coding strand, the complement: KCNQ3 is on the minus strand). VCF-style: chr8-132170343-G-C. GRCh37 (hg19) VCF-style: chr8-133182590-G-C.
Other names: p.P409R:CCT>CGT; c.866C>G, p.Pro289Arg (NM_001204824.2); short protein forms P409R, P289R.
Identifiers: ClinVar variation 205970 (VCV000205970.20), dbSNP rs149272208, ClinGen allele CA315607.